The following is an entry in ClinVar:

ClinVar aggregate classification (germline): Uncertain significance (1 of 4 stars; one submission).

Conditions:
Inborn genetic diseases. Identifiers: MedGen C0950123, MeSH D030342.

Allele frequency attached by ClinVar (database versions not stated): gnomAD exomes below 0.00001; TOPMed below 0.00001; gnomAD 0.00001.

Submission:

Ambry Genetics
Classification: Uncertain significance for Inborn genetic diseases. Last evaluated: 2023-03-05. Review status: criteria provided, single submitter. Criteria: Ambry Variant Classification Scheme 2023. Collection method: clinical testing. Allele origin: germline.
Comment: The p.V144I variant (also known as c.430G>A), located in coding exon 4 of the ATR gene, results from a G to A substitution at nucleotide position 430. The valine at codon 144 is replaced by isoleucine, an amino acid with highly similar properties. This amino acid position is conserved. In addition, this alteration is predicted to be tolerated by in silico analysis. Since supporting evidence is limited at this time, the clinical significance of this alteration remains unclear.

NM_001184.4(ATR):c.430G>A (p.Val144Ile)

Gene: ATR (ATR checkpoint kinase; minus strand). Cytogenetic location: 3q23.
Variant type: single nucleotide variant.
Coding change: c.430G>A on transcript NM_001184.4 (MANE Select); coding-DNA position 430, G replaced by A.
Protein change: p.Val144Ile; replaces valine 144 with isoleucine.
Molecular consequence: missense variant.
Genome position (GRCh38, 1-based): chr3:142,562,972, C>T on the plus strand (G>A on the coding strand, the complement: ATR is on the minus strand). VCF-style: chr3-142562972-C-T. GRCh37 (hg19) VCF-style: chr3-142281814-C-T.
Other names: c.430G>A, p.Val144Ile (NM_001354579.2); short protein forms V144I.
Identifiers: ClinVar variation 2496591 (VCV002496591.2), dbSNP rs1184962047, ClinGen allele CA354827009.